The following is an entry in ClinVar:

NM_000158.4(GBE1):c.710T>A (p.Leu237Ter)

Gene: GBE1 (1,4-alpha-glucan branching enzyme 1; minus strand). Cytogenetic location: 3p12.2.
Variant type: single nucleotide variant.
Coding change: c.710T>A on transcript NM_000158.4 (MANE Select); coding-DNA position 710, T replaced by A.
Protein change: p.Leu237Ter; replaces leucine 237 with a stop codon.
Molecular consequence: nonsense.
Genome position (GRCh38, 1-based): chr3:81,646,464, A>T on the plus strand (T>A on the coding strand, the complement: GBE1 is on the minus strand). VCF-style: chr3-81646464-A-T. GRCh37 (hg19) VCF-style: chr3-81695615-A-T.
Other names: short protein forms L237*.
Identifiers: ClinVar variation 4817839 (VCV004817839.1).

ClinVar aggregate classification (germline): Likely pathogenic (1 of 4 stars; one submission).

Conditions:
Glycogen storage disease, type IV (GSD4). Also called: AMYLOPECTINOSIS; ANDERSEN DISEASE; BRANCHER DEFICIENCY; CIRRHOSIS, FAMILIAL, WITH DEPOSITION OF ABNORMAL GLYCOGEN; GBE1 DEFICIENCY; GLYCOGEN BRANCHING ENZYME DEFICIENCY. Identifiers: Orphanet 367, MedGen C0017923, MONDO:0009292, OMIM 232500.

Submission:

Natera, Inc.
Classification: Likely pathogenic for Glycogen storage disease type IV. Last evaluated: 2024-09-22. Review status: criteria provided, single submitter. Criteria: Natera Variant Classification Schema (03/2026). Collection method: clinical testing. Allele origin: germline.
Comment: The c.710T>A variant in GBE1 is a nonsense variant predicted to introduce a stop codon at amino acid 237. This variant is expected to result in nonsense mediated decay, truncation, or a dysfunctional protein product. This variant is rare in the general population with a frequency below the threshold expected for the associated phenotype(s). Given the available evidence, this variant is classified as Likely Pathogenic.